The following is an entry in ClinVar:

ClinVar aggregate classification (germline): Uncertain significance (1 of 4 stars; one submission).

Submission:

Labcorp Genetics (formerly Invitae), Labcorp
Classification: Uncertain significance. Last evaluated: 2024-11-02. Review status: criteria provided, single submitter. Criteria: Invitae Variant Classification Sherloc (09022015). Collection method: clinical testing. Allele origin: germline.
Comment: This sequence change affects codon 251 of the CYP17A1 mRNA. It is a 'silent' change, meaning that it does not change the encoded amino acid sequence of the CYP17A1 protein. This variant also falls at the last nucleotide of exon 4, which is part of the consensus splice site for this exon. This variant is not present in population databases (gnomAD no frequency). This variant has not been reported in the literature in individuals affected with CYP17A1-related conditions. Variants that disrupt the consensus splice site are a relatively common cause of aberrant splicing (PMID: 17576681, 9536098). Algorithms developed to predict the effect of sequence changes on RNA splicing suggest that this variant may disrupt the consensus splice site. In summary, the available evidence is currently insufficient to determine the role of this variant in disease. Therefore, it has been classified as a Variant of Uncertain Significance.

Literature cited by the submitters: PubMed 17576681; PubMed 9536098.

NM_000102.4(CYP17A1):c.753G>A (p.Lys251=)

Genes: CYP17A1 (cytochrome P450 family 17 subfamily A member 1; minus strand), CYP17A1-AS1 (CYP17A1 antisense RNA 1; plus strand). Cytogenetic location: 10q24.32.
Variant type: single nucleotide variant.
Coding change: c.753G>A on transcript NM_000102.4 (MANE Select); coding-DNA position 753, G replaced by A.
Protein change: p.Lys251=; no amino-acid change (lysine 251 retained).
Molecular consequence: synonymous variant.
Genome position (GRCh38, 1-based): chr10:102,834,036, C>T on the plus strand (G>A on the coding strand, the complement: CYP17A1 is on the minus strand). VCF-style: chr10-102834036-C-T. GRCh37 (hg19) VCF-style: chr10-104593793-C-T.
Identifiers: ClinVar variation 3724466 (VCV003724466.2).